The following is an entry in ClinVar:

NM_000384.3(APOB):c.5599C>T (p.Arg1867Trp)

Gene: APOB (apolipoprotein B; minus strand). Cytogenetic location: 2p24.1.
Variant type: single nucleotide variant.
Coding change: c.5599C>T on transcript NM_000384.3 (MANE Select); coding-DNA position 5599, C replaced by T.
Protein change: p.Arg1867Trp; replaces arginine 1867 with tryptophan.
Molecular consequence: missense variant.
Genome position (GRCh38, 1-based): chr2:21,011,269, G>A on the plus strand (C>T on the coding strand, the complement: APOB is on the minus strand). VCF-style: chr2-21011269-G-A. GRCh37 (hg19) VCF-style: chr2-21234141-G-A.
Other names: short protein forms R1867W.
Identifiers: ClinVar variation 265887 (VCV000265887.29), dbSNP rs200583769, ClinGen allele CA062253.

ClinVar aggregate classification (germline): Conflicting classifications of pathogenicity. Review status: criteria provided, conflicting classifications (1 of 4 stars). 10 submissions from 10 submitters: Uncertain significance (7); Benign (1); Likely benign (1). 1 of the submissions does not count toward it. Last evaluated 2025-12-01.

Conditions:
Cardiovascular phenotype. Identifiers: MedGen CN230736.
Familial hypobetalipoproteinemia 1. Also called: APOB-Related Familial Hypobetalipoproteinemia; Hypobetalipoproteinemia, normotriglyceridemic; Acanthocytosis with hypobetalipoproteinemia. Identifiers: MedGen C4551990, MONDO:0014252, OMIM 615558.
Hypercholesterolemia, autosomal dominant, type B (FHCL2). Also called: Familial Hypercholesterolemia Type B; Familial hypercholesterolemia 2; Hyperlipoproteinemia Type IIb; APOLIPOPROTEIN B-100, FAMILIAL DEFECTIVE; APOLIPOPROTEIN B-100, FAMILIAL LIGAND-DEFECTIVE; APOB-Related Familial Hypercholesterolemia, Autosomal Dominant. Identifiers: MedGen C1704417, MONDO:0007751, OMIM 144010.
Hypercholesterolemia, familial, 1. Also called: LDL RECEPTOR DISORDER; Hyperlipoproteinemia Type IIa; HYPER-LOW-DENSITY-LIPOPROTEINEMIA; HYPERCHOLESTEROLEMIC XANTHOMATOSIS, FAMILIAL; Fredrickson type IIa hyperlipoproteinemia; Hyperlipoproteinemia type 2. Identifiers: Orphanet 391665, MedGen C0745103, MONDO:0007750, OMIM 143890.

Allele frequency attached by ClinVar (database versions not stated): gnomAD exomes 0.00017; TOPMed 0.00019; ExAC 0.00021; gnomAD 0.00021 and 0.00024; ESP Exome Variant Server 0.00023.
gnomAD v4.1: 435 of 1,614,056 alleles (0.027%); highest among the groups gnomAD compares: Non-Finnish European, 0.035%; no homozygotes.

Submissions (10):

Labcorp Genetics (formerly Invitae), Labcorp
Classification: Likely benign for Familial hypobetalipoproteinemia 1; Hypercholesterolemia, autosomal dominant, type B. Last evaluated: 2025-12-01. Review status: criteria provided, single submitter. Criteria: Invitae Variant Classification Sherloc (09022015). Collection method: clinical testing. Allele origin: germline.

Blueprint Genetics
Classification: Uncertain significance. Last evaluated: 2024-05-06. Review status: criteria provided, single submitter. Criteria: ACMG Guidelines, 2015. Collection method: clinical testing. Allele origin: germline.

Quest Diagnostics Nichols Institute San Juan Capistrano
Classification: Uncertain significance. Last evaluated: 2024-04-03. Review status: criteria provided, single submitter. Criteria: Quest Diagnostics criteria. Collection method: clinical testing. Allele origin: unknown.
Comment: The APOB c.5599C>T (p.Arg1867Trp) variant has been reported in the published literature in an individual affected with familial hypercholesterolemia (PMID: 24234650 (2014)). The frequency of this variant in the general population, 0.0003 (10/33078 chromosomes (Genome Aggregation Database)), is uninformative in the assessment of its pathogenicity. Analysis of this variant using bioinformatics tools for the prediction of the effect of amino acid changes on protein structure and function yielded conflicting predictions that this variant is benign or damaging. Based on the available information, we are unable to determine the clinical significance of this variant.

Ambry Genetics
Classification: Benign for Cardiovascular phenotype. Last evaluated: 2024-02-20. Review status: criteria provided, single submitter. Criteria: Ambry Variant Classification Scheme 2023. Collection method: clinical testing. Allele origin: germline.

GeneDx
Classification: Uncertain significance. Last evaluated: 2020-09-09. Review status: criteria provided, single submitter. Criteria: GeneDx Variant Classification Process June 2021. Collection method: clinical testing. Allele origin: germline. Affected: yes.
Comment: In silico analysis supports that this missense variant has a deleterious effect on protein structure/function; Reported in ClinVar but additional evidence is not available (ClinVar Variant ID#265887; Landrum et al., 2016); This variant is associated with the following publications: (PMID: 24234650, 26020417)

Illumina Laboratory Services, Illumina
Classification: Uncertain significance for Hypercholesterolemia, autosomal dominant, type B. Last evaluated: 2019-08-21. Review status: criteria provided, single submitter. Criteria: ICSL Variant Classification Criteria 13 December 2019. Collection method: clinical testing. Allele origin: germline.
Comment: This variant was observed as part of a predisposition screen in an ostensibly healthy population. A literature search was performed for the gene, cDNA change, and amino acid change (where applicable). Publications were found based on this search. However, the evidence from the literature, in combination with allele frequency data from public databases where available, was not sufficient to rule this variant in or out of causing disease. Therefore, this variant is classified as a variant of unknown significance.

Laboratory for Molecular Medicine, Mass General Brigham Personalized Medicine
Classification: Uncertain significance. Last evaluated: 2016-03-28. Review status: criteria provided, single submitter. Criteria: LMM Criteria. Collection method: clinical testing. Allele origin: germline.
Comment: Variant identified in a genome or exome case(s) and assessed due to predicted null impact of the variant or pathogenic assertions in the literature or databases. Disclaimer: This variant has not undergone full assessment. The following are preliminary notes: Several papers, no segs; ExAC: 0.04% (3/6614) Finnish chromosomes

Cardiovascular Research Group, Instituto Nacional de Saude Doutor Ricardo Jorge
Classification: Uncertain significance for Familial hypercholesterolemia. Last evaluated: 2016-03-01. Review status: criteria provided, single submitter. Criteria: ACMG Guidelines, 2015. Collection method: research. Allele origin: germline. Affected: yes.
Comment: 0/202 non-FH alleles

Iberoamerican FH Network
Classification: Uncertain significance for Familial hypercholesterolemia. Last evaluated: 2016-03-01. Review status: criteria provided, single submitter. Criteria: ACMG Guidelines, 2015. Collection method: research. Allele origin: germline.
Comment: Variant present in the database from Uruguay

Department of Pathology and Laboratory Medicine, Sinai Health System
Classification: Uncertain significance. Review status: no assertion criteria provided. Collection method: clinical testing. Allele origin: unknown. Affected: yes. Study: The Canadian Open Genetics Repository (COGR). Not counted in ClinVar's aggregate classification.
Comment: The APOB p.Arg1867Trp variant was identified in 2 of 130 proband chromosomes (frequency: 0.0154) from individuals with Familial Hypercholesterolaemia (Alves_2014_PMID:24234650). The variant was identified in dbSNP (ID: rs200583769), Cosmic and ClinVar (classified as a VUS by Laboratory for Molecular Medicine, Color, Iberoamerican FH Network and Cardiovascular Research Group,Instituto Nacional de Saude Doutor Ricardo Jorge). The variant was identified in control databases in 50 of 282636 chromosomes at a frequency of 0.000177 (Genome Aggregation Database Feb 27, 2017). The variant was observed in the following populations: European (non-Finnish) in 38 of 128992 chromosomes (freq: 0.000295), Other in 2 of 7214 chromosomes (freq: 0.000277), European (Finnish) in 4 of 25098 chromosomes (freq: 0.000159), Latino in 3 of 35434 chromosomes (freq: 0.000085), African in 2 of 24970 chromosomes (freq: 0.00008) and East Asian in 1 of 19948 chromosomes (freq: 0.00005), but was not observed in the Ashkenazi Jewish or South Asian populations. The p.Arg1867 residue is conserved across mammals and other organisms, and four out of five computational analyses (PolyPhen-2, SIFT, AlignGVGD, BLOSUM, MutationTaster) suggest that the variant may impact the protein; however, this information is not predictive enough to assume pathogenicity. The variant occurs outside of the splicing consensus sequence and in silico or computational prediction software programs (SpliceSiteFinder, MaxEntScan, NNSPLICE, GeneSplicer) do not predict a difference in splicing. In summary, based on the above information the clinical significance of this variant cannot be determined with certainty at this time. This variant is classified as a variant of uncertain significance.

Literature cited by the submitters: PubMed 24234650 (cited by 3 submitters); PubMed 26020417 (cited by 3 submitters); PubMed 36769882 (cited by Quest Diagnostics Nichols Institute San Juan Capistrano).